The following is an entry in ClinVar:

NM_000038.6(APC):c.2199G>T (p.Arg733Ser)

Gene: APC (APC regulator of Wnt signaling pathway; plus strand). Cytogenetic location: 5q22.2.
Variant type: single nucleotide variant.
Coding change: c.2199G>T on transcript NM_000038.6 (MANE Select); coding-DNA position 2199, G replaced by T.
Protein change: p.Arg733Ser; replaces arginine 733 with serine.
Molecular consequence: missense variant.
Genome position (GRCh38, 1-based): chr5:112,837,793, G>T. VCF-style: chr5-112837793-G-T. GRCh37 (hg19) VCF-style: chr5-112173490-G-T.
Other names: c.1950G>T, p.Arg650Ser (NM_001407457.1, NM_001407454.1, NM_001407455.1 and 1 more transcripts); c.1896G>T, p.Arg632Ser (NM_001407458.1, NM_001407459.1, NM_001407460.1 and 1 more transcripts); c.1812G>T, p.Arg604Ser (NM_001407467.1, NM_001407469.1); c.1350G>T, p.Arg450Ser (NM_001407470.1, NM_001354906.2); c.1047G>T, p.Arg349Ser (NM_001407471.1, NM_001407472.1); c.2199G>T, p.Arg733Ser (NM_001127510.3, NM_001354895.2, NM_001407450.1); c.2145G>T, p.Arg715Ser (NM_001127511.3); c.2253G>T, p.Arg751Ser (NM_001354896.2, NM_001407447.1, NM_001407448.1 and 1 more transcripts); and 11 more; short protein forms R450S, R632S, R642S, R723S, R726S, R743S, R761S, R349S.
Identifiers: ClinVar variation 1787535 (VCV001787535.2), dbSNP rs2149863061, ClinGen allele CA16026151.

ClinVar aggregate classification (germline): Uncertain significance (1 of 4 stars; one submission).

Conditions:
Hereditary cancer-predisposing syndrome. Also called: Neoplastic Syndromes, Hereditary; Tumor predisposition; Hereditary Cancer Syndrome; Hereditary neoplastic syndrome. Identifiers: Orphanet 140162, MedGen C0027672, MeSH D009386, MONDO:0015356.

Submission:

Ambry Genetics
Classification: Uncertain significance for Hereditary cancer-predisposing syndrome. Last evaluated: 2017-11-14. Review status: criteria provided, single submitter. Criteria: Ambry Variant Classification Scheme 2023. Collection method: clinical testing. Allele origin: germline.
Comment: The p.R733S variant (also known as c.2199G>T), located in coding exon 15 of the APC gene, results from a G to T substitution at nucleotide position 2199. The arginine at codon 733 is replaced by serine, an amino acid with dissimilar properties. This amino acid position is highly conserved in available vertebrate species. In addition, in silico predictors for this gene do not accurately predict pathogenicity. Since supporting evidence is limited at this time, the clinical significance of this alteration remains unclear.